The following is an entry in ClinVar:

ClinVar aggregate classification (germline): Conflicting classifications of pathogenicity. Review status: criteria provided, conflicting classifications (1 of 4 stars). 4 submissions from 4 submitters: Uncertain significance (1); Benign (1); Likely benign (2). Last evaluated 2025-11-18.

Conditions:
KIAA0586-related disorder. Also called: KIAA0586-related condition; KIAA0586- Related disorders.
Joubert syndrome 23 (JBTS23). Identifiers: Orphanet 475, MedGen C4084822, MONDO:0014664, OMIM 616490.
Short-rib thoracic dysplasia 14 with polydactyly (SRTD14). Identifiers: Orphanet 397715, MedGen C4225286, MONDO:0014688, OMIM 616546.

Allele frequency attached by ClinVar (database versions not stated): gnomAD exomes 0.00012 and 0.00039; gnomAD 0.00015 and 0.00019; TOPMed 0.00048; ExAC 0.00070; 1000 Genomes Project 30x 0.00109; 1000 Genomes Project 0.00120.
gnomAD v4.1: 192 of 1,511,314 alleles (0.013%); highest among the groups gnomAD compares: East Asian, 0.45%; 3 homozygotes.

Submissions (4):

Labcorp Genetics (formerly Invitae), Labcorp
Classification: Benign for Joubert syndrome 23; Short-rib thoracic dysplasia 14 with polydactyly. Last evaluated: 2025-11-18. Review status: criteria provided, single submitter. Criteria: Invitae Variant Classification Sherloc (09022015). Collection method: clinical testing. Allele origin: germline.

GeneDx
Classification: Uncertain significance. Last evaluated: 2025-09-11. Review status: criteria provided, single submitter. Criteria: GeneDx Variant Classification Process June 2021. Collection method: clinical testing. Allele origin: germline.
Comment: In silico analysis suggests that this missense variant does not alter protein structure/function; Has not been previously published as pathogenic or benign to our knowledge

PreventionGenetics, part of Exact Sciences
Classification: Likely benign for KIAA0586-related condition. Last evaluated: 2025-07-21. Review status: criteria provided, single submitter. Criteria: ACMG Guidelines, 2015. Collection method: clinical testing. Allele origin: germline.
Comment: This variant is classified as likely benign based on ACMG/AMP sequence variant interpretation guidelines (Richards et al. 2015 PMID: 25741868, with internal and published modifications).

Blueprint Genetics
Classification: Likely benign. Last evaluated: 2024-10-04. Review status: criteria provided, single submitter. Criteria: ACMG Guidelines, 2015. Collection method: clinical testing. Allele origin: germline.

NM_001329943.3(KIAA0586):c.1240G>A (p.Glu414Lys)

Gene: KIAA0586 (KIAA0586; plus strand). Cytogenetic location: 14q23.1.
Variant type: single nucleotide variant.
Coding change: c.1240G>A on transcript NM_001329943.3 (MANE Select); coding-DNA position 1240, G replaced by A.
Protein change: p.Glu414Lys; replaces glutamic acid 414 with lysine.
Molecular consequence: missense variant.
Genome position (GRCh38, 1-based): chr14:58,453,460, G>A. VCF-style: chr14-58453460-G-A. GRCh37 (hg19) VCF-style: chr14-58920178-G-A.
Other names: c.1399G>A, p.Glu467Lys (NM_001244189.2); c.1195G>A, p.Glu399Lys (NM_001244190.2); c.985G>A, p.Glu329Lys (NM_001244191.2, NM_001329945.2, NM_001364700.1 and 1 more transcripts); c.1108G>A, p.Glu370Lys (NM_001244192.2); c.820G>A, p.Glu274Lys (NM_001244193.2); c.1240G>A, p.Glu414Lys (NM_001329944.2, NM_001329946.2, NM_001329947.2 and 1 more transcripts); short protein forms E370K, E329K, E399K, E414K, E467K, E274K.
Identifiers: ClinVar variation 707614 (VCV000707614.12), dbSNP rs147844088, ClinGen allele CA7205587.
Genomic context (GRCh38, chr14:58,453,460, plus strand): 5'-AGAAAAAGTGAATCATCAAACACCACCTCACTAACTAGGTCAAAAATAGGATGGACTCCT[G>A]AGAAAACAAACAGGTAAAAACAAGAGATTGGAATGAAAACTAGATTGAAAAGAGTTTTGT-3'
Protein context (NP_001316872.1, residues 404-424): LTRSKIGWTP[Glu414Lys]KTNRFPSCEE